The following continues an entry in ClinVar:

NM_000152.5(GAA):c.1841C>A (p.Thr614Lys)

Gene: GAA. ClinVar aggregate classification (germline): Pathogenic. Pathogenic (1).

Submissions 11 to 15 of 15:

GeneDx
Classification: Pathogenic. Last evaluated: 2020-07-22. Review status: criteria provided, single submitter. Criteria: GeneDx Variant Classification Process June 2021. Collection method: clinical testing. Allele origin: germline. Affected: yes. Not counted in ClinVar's aggregate classification.
Comment: Functional studies of T614K expressed protein demonstrate reduced enzyme activity and reduced synthesis or processing of alpha-glucosidase (Kroos et al., 2012); Not observed at a significant frequency in large population cohorts (Lek et al., 2016); This variant is associated with the following publications: (PMID: 31086307, 24590251, 23891399, 27708273, 25544546, 21484825, 18425781, 22644586)

Broad Center for Mendelian Genomics, Broad Institute of MIT and Harvard
Classification: Pathogenic for Glycogen storage disease, type II. Last evaluated: 2020-01-22. Review status: criteria provided, single submitter. Criteria: ACMG Guidelines, 2015. Collection method: curation. Allele origin: germline. Inheritance: Autosomal recessive inheritance. Not counted in ClinVar's aggregate classification.
Comment: The p.Thr614Lys variant in GAA has been reported in at least 5 individuals with Glycogen Storage Disease II (PMID: 21484825, 18425781, 24590251, 27708273) and has also been reported pathogenic by EGL Genetic Diagnostics and likely pathogenic by Invitae and Counsyl in ClinVar (Variation ID: 167113). This variant has been identified in 0.005% (6/125426) of European (non-Finnish) chromosomes by the Genome Aggregation Database (gnomAD; dbSNP rs369531647). Although this variant has been seen in the general population, its frequency is low enough to be consistent with a recessive carrier frequency. In vitro functional studies provide some evidence that the p.Thr614Lys variant may impact GAA activity and protein levels (PMID: 22644586). However, these types of assays may not accurately represent biological function. Computational prediction tools and conservation analyses suggest that this variant may impact the protein, though this information is not predictive enough to determine pathogenicity. The presence of this variant in combination with pathogenic variants in individuals with Glycogen Storage Disease II increases the likelihood that the p.Thr614Lys variant is pathogenic (PMID: 21484825, 24590251). The phenotype of 2 individuals heterozygous for this variant is highly specific for Glycogen Storage Disease II based on reduced GAA activity in relevant tissues (PMID: 21484825, 24590251). In summary, this variant meets criteria to be classified as pathogenic for Glycogen Storage Disease II in an autosomal recessive manner based on in vitro functional studies and multiple occurrences with pathogenic variants in affected individuals. ACMG/AMP Criteria applied: PS3, PM3, PM2, PP3, PP4 (Richards 2015).

Women's Health and Genetics/Laboratory Corporation of America, LabCorp
Classification: Pathogenic for Glycogen storage disease, type II. Last evaluated: 2019-09-07. Review status: criteria provided, single submitter. Criteria: LabCorp Variant Classification Summary - May 2015. Collection method: clinical testing. Allele origin: germline. Not counted in ClinVar's aggregate classification.
Comment: Variant summary: GAA c.1841C>A (p.Thr614Lys) results in a non-conservative amino acid change in the encoded protein sequence. Four of five in-silico tools predict a damaging effect of the variant on protein function. The variant allele was found at a frequency of 1.6e-05 in 244678 control chromosomes. c.1841C>A has been reported in the literature in multiple individuals affected with Glycogen Storage Disease, Type 2 (Pompe Disease) (Kroos_2008, Kroos_2012, Bali_2011, Beltran-Papsdorf_2014, Reddy_2017). These data indicate that the variant is very likely to be associated with disease. To our knowledge, no experimental evidence demonstrating an impact on protein function has been reported. Three clinical diagnostic laboratories have submitted clinical-significance assessments for this variant to ClinVar after 2014 without evidence for independent evaluation. All laboratories classified the variant as pathogenic/likely pathogenic. Based on the evidence outlined above, the variant was classified as pathogenic.

Eurofins Ntd Llc (ga)
Classification: Pathogenic. Last evaluated: 2018-02-28. Review status: criteria provided, single submitter. Criteria: EGL ClinVar v180209 classification definitions. Collection method: clinical testing. Allele origin: germline. Observed: 4 variant alleles, 4 heterozygotes. Not counted in ClinVar's aggregate classification.

Counsyl
Classification: Likely pathogenic for Glycogen storage disease, type II. Last evaluated: 2019-03-02. Review status: no assertion criteria provided. Collection method: clinical testing. Allele origin: unknown. Not counted in ClinVar's aggregate classification.

Literature cited by the submitters: PubMed 22644586 (cited by 8 submitters); PubMed 24590251 (cited by 9 submitters); PubMed 25544546 (cited by ClinGen Lysosomal Storage Disorder Variant Curation Expert Panel and Mayo Clinic Laboratories, Mayo Clinic); PubMed 21484825 (cited by 10 submitters); PubMed 27708273 (cited by 8 submitters); PubMed 30564623 (cited by 4 submitters); PubMed 18425781 (cited by 7 submitters); PubMed 30214072 (cited by Ambry Genetics and Genomenon, Inc); PubMed 32518148 (cited by Ambry Genetics and Genomenon, Inc); PubMed 32849613 (cited by Ambry Genetics and Genomenon, Inc); PubMed 30510819 (cited by 3 submitters); PubMed 31086307 (cited by 3 submitters); PubMed 17805474 (cited by Mayo Clinic Laboratories, Mayo Clinic).